The following is an entry in ClinVar:

NM_000194.3(HPRT1):c.74C>G (p.Pro25Arg)

Gene: HPRT1 (hypoxanthine phosphoribosyltransferase 1; plus strand). Cytogenetic location: Xq26.2.
Variant type: single nucleotide variant.
Coding change: c.74C>G on transcript NM_000194.3 (MANE Select); coding-DNA position 74, C replaced by G.
Protein change: p.Pro25Arg; replaces proline 25 with arginine.
Molecular consequence: missense variant.
Genome position (GRCh38, 1-based): chrX:134,473,405, C>G. VCF-style: chrX-134473405-C-G. GRCh37 (hg19) VCF-style: chrX-133607435-C-G.
Other names: short protein forms P25R.
Identifiers: ClinVar variation 4076562 (VCV004076562.1).

ClinVar aggregate classification (germline): Uncertain significance (1 of 4 stars; one submission).

Submission:

GeneDx
Classification: Uncertain significance. Last evaluated: 2025-02-21. Review status: criteria provided, single submitter. Criteria: GeneDx Variant Classification Process June 2021. Collection method: clinical testing. Allele origin: germline. Affected: yes.
Comment: Observed in hemizygous state in patients with features of HPRT1-related hypoxanthine-guanine phosphoribosyl transferase deficiency referred for genetic testing at GeneDx and in the literature and not observed in hemizygous state in controls (PMID: 20638392, 15505382); Not observed at significant frequency in large population cohorts (gnomAD); In silico analysis supports that this missense variant has a deleterious effect on protein structure/function; This variant is associated with the following publications: (PMID: 15505382, 20638392)